The following is an entry in ClinVar:

ClinVar aggregate classification (germline): Uncertain significance (1 of 4 stars; one submission).

gnomAD v4.1: 3 of 1,613,446 alleles (0.00019%); highest among the groups gnomAD compares: Non-Finnish European, 0.00025%; no homozygotes.

Submission:

GeneDx
Classification: Uncertain significance. Last evaluated: 2024-11-01. Review status: criteria provided, single submitter. Criteria: GeneDx Variant Classification Process June 2021. Collection method: clinical testing. Allele origin: germline. Affected: yes.
Comment: Not observed at significant frequency in large population cohorts (gnomAD); In silico analysis supports that this missense variant has a deleterious effect on protein structure/function; Has not been previously published as pathogenic or benign to our knowledge

NM_005273.4(GNB2):c.385C>A (p.Arg129Ser)

Gene: GNB2 (G protein subunit beta 2; plus strand). Cytogenetic location: 7q22.1.
Variant type: single nucleotide variant.
Coding change: c.385C>A on transcript NM_005273.4 (MANE Select); coding-DNA position 385, C replaced by A.
Protein change: p.Arg129Ser; replaces arginine 129 with serine.
Molecular consequence: missense variant.
Genome position (GRCh38, 1-based): chr7:100,677,615, C>A. VCF-style: chr7-100677615-C-A. GRCh37 (hg19) VCF-style: chr7-100275238-C-A.
Other names: short protein forms R129S.
Identifiers: ClinVar variation 3897100 (VCV003897100.1).
Genomic context (GRCh38, chr7:100,677,615, plus strand): 5'-GGGAACTTTGTGGCCTGTGGGGGGTTGGACAACATCTGCTCCATCTACAGCCTCAAGACC[C>A]GCGAGGGCAACGTCAGGGTCAGCCGGGAGCTGCCTGGCCACACTGGTGAGGGGCCTGGCC-3'
Protein context (NP_005264.2, residues 119-139): NICSIYSLKT[Arg129Ser]EGNVRVSREL